The following is an entry in ClinVar:

ClinVar aggregate classification (germline): Likely benign. Review status: criteria provided, multiple submitters, no conflicts (2 of 4 stars). 3 submissions from 3 submitters: Likely benign (3). Last evaluated 2025-08-29.

Allele frequency attached by ClinVar (database versions not stated): TOPMed 0.00004; gnomAD exomes 0.00006; ExAC 0.00007; ESP Exome Variant Server 0.00008; gnomAD 0.00009.
gnomAD v4.1: 82 of 1,614,070 alleles (0.0051%); highest among the groups gnomAD compares: Middle Eastern, 0.016%; no homozygotes.

Submissions (3):

Labcorp Genetics (formerly Invitae), Labcorp
Classification: Likely benign. Last evaluated: 2025-08-29. Review status: criteria provided, single submitter. Criteria: Invitae Variant Classification Sherloc (09022015). Collection method: clinical testing. Allele origin: germline.

Mayo Clinic Laboratories, Mayo Clinic
Classification: Likely benign. Last evaluated: 2025-06-18. Review status: criteria provided, single submitter. Criteria: ACMG Guidelines, 2015. Collection method: clinical testing. Allele origin: germline. Observed: 1 variant allele.
Comment: BP4, BP7, PM2_supporting

Blueprint Genetics
Classification: Likely benign. Last evaluated: 2024-11-25. Review status: criteria provided, single submitter. Criteria: ACMG Guidelines, 2015. Collection method: clinical testing. Allele origin: germline.

NM_030957.4(ADAMTS10):c.2240-9G>A

Gene: ADAMTS10 (ADAM metallopeptidase with thrombospondin type 1 motif 10; minus strand). Cytogenetic location: 19p13.2.
Variant type: single nucleotide variant.
Coding change: c.2240-9G>A on transcript NM_030957.4 (MANE Select); 9 bases into the intron before coding-DNA position 2240, G replaced by A.
Molecular consequence: intron variant.
Genome position (GRCh38, 1-based): chr19:8,586,730, C>T on the plus strand (G>A on the coding strand, the complement: ADAMTS10 is on the minus strand). VCF-style: chr19-8586730-C-T. GRCh37 (hg19) VCF-style: chr19-8651614-C-T.
Other names: p.?; c.701-9G>A (NM_001282352.2).
Identifiers: ClinVar variation 1577291 (VCV001577291.10), dbSNP rs373507694, ClinGen allele CA9160156.